The following is an entry in ClinVar:

NM_001387011.1(AMBRA1):c.422C>T (p.Ala141Val)

Gene: AMBRA1 (autophagy and beclin 1 regulator 1; minus strand). Cytogenetic location: 11p11.2.
Variant type: single nucleotide variant.
Coding change: c.422C>T on transcript NM_001387011.1 (MANE Select); coding-DNA position 422, C replaced by T.
Protein change: p.Ala141Val; replaces alanine 141 with valine.
Molecular consequence: missense variant. On other transcripts: 5 prime UTR variant (1), non-coding transcript variant (1).
Genome position (GRCh38, 1-based): chr11:46,545,733, G>A on the plus strand (C>T on the coding strand, the complement: AMBRA1 is on the minus strand). VCF-style: chr11-46545733-G-A. GRCh37 (hg19) VCF-style: chr11-46567283-G-A.
Other names: c.422C>T, p.Ala141Val (NM_001267782.2, NM_001267783.2, NM_001300731.2 and 4 more transcripts); c.-116C>T (NM_001367470.1); short protein forms A141V.
Identifiers: ClinVar variation 3346128 (VCV003346128.1).

ClinVar aggregate classification (germline): Uncertain significance (0 of 4 stars; one submission).

Conditions:
AMBRA1-related disorder. Also called: AMBRA1-related condition.

gnomAD v4.1: 1 of 1,614,154 alleles (0.000062%); highest among the groups gnomAD compares: Non-Finnish European, 0.000085%; no homozygotes.

Submission:

PreventionGenetics, part of Exact Sciences
Classification: Uncertain significance for AMBRA1-related condition. Last evaluated: 2024-08-05. Review status: no assertion criteria provided. Collection method: clinical testing. Allele origin: germline.
Comment: The AMBRA1 c.422C>T variant is predicted to result in the amino acid substitution p.Ala141Val. To our knowledge, this variant has not been reported in the literature or in a large population database, indicating this variant is rare. At this time, the clinical significance of this variant is uncertain due to the absence of conclusive functional and genetic evidence.